The following is an entry in ClinVar:

ClinVar aggregate classification (germline): Uncertain significance (1 of 4 stars; one submission).

gnomAD v4.1: 2 of 1,614,158 alleles (0.00012%); highest among the groups gnomAD compares: African/African-American, 0.0013%; no homozygotes.

Submission:

Labcorp Genetics (formerly Invitae), Labcorp
Classification: Uncertain significance. Last evaluated: 2022-11-03. Review status: criteria provided, single submitter. Criteria: Invitae Variant Classification Sherloc (09022015). Collection method: clinical testing. Allele origin: germline.
Comment: In summary, the available evidence is currently insufficient to determine the role of this variant in disease. Therefore, it has been classified as a Variant of Uncertain Significance. Advanced modeling of protein sequence and biophysical properties (such as structural, functional, and spatial information, amino acid conservation, physicochemical variation, residue mobility, and thermodynamic stability) performed at Invitae indicates that this missense variant is expected to disrupt TFRC protein function. This variant has not been reported in the literature in individuals affected with TFRC-related conditions. This sequence change replaces arginine, which is basic and polar, with histidine, which is basic and polar, at codon 651 of the TFRC protein (p.Arg651His). This variant is not present in population databases (gnomAD no frequency).

NM_001128148.3(TFRC):c.1952G>A (p.Arg651His)

Gene: TFRC (transferrin receptor; minus strand). Cytogenetic location: 3q29.
Variant type: single nucleotide variant.
Coding change: c.1952G>A on transcript NM_001128148.3 (MANE Select); coding-DNA position 1952, G replaced by A.
Protein change: p.Arg651His; replaces arginine 651 with histidine.
Molecular consequence: missense variant.
Genome position (GRCh38, 1-based): chr3:196,053,506, C>T on the plus strand (G>A on the coding strand, the complement: TFRC is on the minus strand). VCF-style: chr3-196053506-C-T. GRCh37 (hg19) VCF-style: chr3-195780377-C-T.
Other names: c.1709G>A, p.Arg570His (NM_001313965.2); c.1106G>A, p.Arg369His (NM_001313966.2); c.1952G>A, p.Arg651His (NM_003234.4); short protein forms R369H, R570H, R651H.
Identifiers: ClinVar variation 2056332 (VCV002056332.4), dbSNP rs1716517216, ClinGen allele CA355561232.